The following is an entry in ClinVar:

NM_001329943.3(KIAA0586):c.4352A>G (p.Lys1451Arg)

Gene: KIAA0586 (KIAA0586; plus strand). Cytogenetic location: 14q23.1.
Variant type: single nucleotide variant.
Coding change: c.4352A>G on transcript NM_001329943.3 (MANE Select); coding-DNA position 4352, A replaced by G.
Protein change: p.Lys1451Arg; replaces lysine 1451 with arginine.
Molecular consequence: missense variant.
Genome position (GRCh38, 1-based): chr14:58,512,550, A>G. VCF-style: chr14-58512550-A-G. GRCh37 (hg19) VCF-style: chr14-58979268-A-G.
Other names: c.4511A>G, p.Lys1504Arg (NM_001244189.2); c.4307A>G, p.Lys1436Arg (NM_001244190.2); c.4097A>G, p.Lys1366Arg (NM_001244191.2, NM_001329945.2, NM_001364700.1 and 1 more transcripts); c.4220A>G, p.Lys1407Arg (NM_001244192.2, NM_001329947.2); c.3932A>G, p.Lys1311Arg (NM_001244193.2); c.4352A>G, p.Lys1451Arg (NM_001329944.2, NM_001329946.2); c.4124A>G, p.Lys1375Arg (NM_014749.5); short protein forms K1366R, K1504R, K1311R, K1407R, K1451R, K1436R, K1375R.
Identifiers: ClinVar variation 1998945 (VCV001998945.4), dbSNP rs2544164635, ClinGen allele CA390058080.

ClinVar aggregate classification (germline): Uncertain significance (1 of 4 stars; one submission).

Conditions:
Joubert syndrome 23 (JBTS23). Identifiers: Orphanet 475, MedGen C4084822, MONDO:0014664, OMIM 616490.
Short-rib thoracic dysplasia 14 with polydactyly (SRTD14). Identifiers: Orphanet 397715, MedGen C4225286, MONDO:0014688, OMIM 616546.

Submission:

Labcorp Genetics (formerly Invitae), Labcorp
Classification: Uncertain significance for Joubert syndrome 23; Short-rib thoracic dysplasia 14 with polydactyly. Last evaluated: 2022-05-25. Review status: criteria provided, single submitter. Criteria: Invitae Variant Classification Sherloc (09022015). Collection method: clinical testing. Allele origin: germline.
Comment: In summary, the available evidence is currently insufficient to determine the role of this variant in disease. Therefore, it has been classified as a Variant of Uncertain Significance. Algorithms developed to predict the effect of sequence changes on RNA splicing suggest that this variant may disrupt the consensus splice site. Algorithms developed to predict the effect of missense changes on protein structure and function are either unavailable or do not agree on the potential impact of this missense change (SIFT: "Tolerated"; PolyPhen-2: "Possibly Damaging"; Align-GVGD: "Class C0"). This variant has not been reported in the literature in individuals affected with KIAA0586-related conditions. This variant is not present in population databases (gnomAD no frequency). This sequence change replaces lysine, which is basic and polar, with arginine, which is basic and polar, at codon 1504 of the KIAA0586 protein (p.Lys1504Arg).